The following is an entry in ClinVar:

NM_000091.5(COL4A3):c.3566G>A (p.Gly1189Glu)

Genes: COL4A3 (collagen type IV alpha 3 chain; plus strand), MFF-DT (MFF divergent transcript; minus strand). Cytogenetic location: 2q36.3.
Variant type: single nucleotide variant.
Coding change: c.3566G>A on transcript NM_000091.5 (MANE Select); coding-DNA position 3566, G replaced by A.
Protein change: p.Gly1189Glu; replaces glycine 1189 with glutamic acid.
Molecular consequence: missense variant.
Genome position (GRCh38, 1-based): chr2:227,297,674, G>A. VCF-style: chr2-227297674-G-A. GRCh37 (hg19) VCF-style: chr2-228162390-G-A.
Other names: c.3566G>A (NM_000091.4); short protein forms G1189E.
Identifiers: ClinVar variation 1424247 (VCV001424247.11), dbSNP rs2106246658, ClinGen allele CA350859884.

ClinVar aggregate classification (germline): Pathogenic/Likely pathogenic. Review status: criteria provided, multiple submitters, no conflicts (2 of 4 stars). 4 submissions from 4 submitters: Pathogenic (3); Likely pathogenic (1). Last evaluated 2026-03-24.

Conditions:
Alport syndrome. Also called: Hemorrhagic familial nephritis; Hemorrhagic hereditary nephritis; Congenital hereditary hematuria. Identifiers: Orphanet 63, MedGen C1567741, MONDO:0018965.
COL4A3-related disorder. Also called: COL4A3-Related Disorders; COL4A3-related condition.

Allele frequency attached by ClinVar (database versions not stated): gnomAD exomes below 0.00001.
gnomAD v4.1: 3 of 1,605,970 alleles (0.00019%); highest among the groups gnomAD compares: Non-Finnish European, 0.00017%; no homozygotes.

Submissions (4):

PreventionGenetics, part of Exact Sciences
Classification: Pathogenic for COL4A3-related condition. Last evaluated: 2026-03-24. Review status: criteria provided, single submitter. Criteria: ACMG Guidelines, 2015. Collection method: clinical testing. Allele origin: germline.
Comment: The COL4A3 c.3566G>A variant is predicted to result in the amino acid substitution p.Gly1189Glu. This variant was reported in individuals with autosomal recessive Alport syndrome (Zhang et al. 2021. PubMed ID: 33772369). This variant was also reported to segregate in three family members with variable renal phenotypes suggestive of autosomal dominant Alport syndrome (Hu et al. 2022. PubMed ID: 35422838). A different amino acid substitution at this position (p.Gly1189Arg) has also been reported in a study of Alport syndrome (Zhang et al. 2021. PubMed ID: 33772369). The p.Gly1189 residue is located in a conserved Gly-Xaa-Yaa triple helical domain of the COL4A3 protein (UniProt residues 43-1438), where substitutions of a glycine residue are usually pathogenic; therefore, the c.3566G>A (p.Gly1189Glu) variant is expected to be pathogenic. At PreventionGenetics, we have repeatedly found this variant in presumably unrelated patients tested for Alport syndrome spectrum disorders (internal data). This variant has not been reported in a large population database (gnomAD), indicating this variant is rare. This variant is interpreted as pathogenic for both autosomal dominant and recessive COL4A3-related Alport syndrome spectrum disorders.

Natera, Inc.
Classification: Likely pathogenic for Alport syndrome. Last evaluated: 2025-10-09. Review status: criteria provided, single submitter. Criteria: Natera Variant Classification Schema (03/2026). Collection method: clinical testing. Allele origin: germline.
Comment: The c.3566G>A variant in COL4A3 is a missense variant predicted to cause substitution of glycine to glutamic acid at amino acid 1189. This variant is rare in the general population with a frequency below the threshold expected for the associated phenotype(s). This variant has been observed in one or more individuals affected with the associated recessive disease, as either homozygous or compound heterozygous with a second variant (PMID: 35386907). This variant is located in a functionally critical region of the protein. Computational prediction algorithms indicate this variant is likely to affect gene or protein function. Given the available evidence, this variant is classified as Likely Pathogenic.

Blueprint Genetics
Classification: Pathogenic for COL4A3-related disorders. Last evaluated: 2024-11-22. Review status: criteria provided, single submitter. Criteria: ACMG Guidelines, 2015. Collection method: clinical testing. Allele origin: germline. Affected: yes. Observed: 4 variant alleles.

Labcorp Genetics (formerly Invitae), Labcorp
Classification: Pathogenic. Last evaluated: 2024-11-19. Review status: criteria provided, single submitter. Criteria: Invitae Variant Classification Sherloc (09022015). Collection method: clinical testing. Allele origin: germline.
Comment: This sequence change replaces glycine, which is neutral and non-polar, with glutamic acid, which is acidic and polar, at codon 1189 of the COL4A3 protein (p.Gly1189Glu). This variant is not present in population databases (gnomAD no frequency). This missense change has been observed in individual(s) with COL4A3-related conditions (PMID: 35386907, 35422838; internal data). In at least one individual the data is consistent with being in trans (on the opposite chromosome) from a pathogenic variant. It has also been observed to segregate with disease in related individuals. ClinVar contains an entry for this variant (Variation ID: 1424247). Experimental studies and prediction algorithms are not available or were not evaluated, and the functional significance of this variant is currently unknown. For these reasons, this variant has been classified as Pathogenic.

Literature cited by the submitters: PubMed 35386907 (cited by Natera, Inc. and Labcorp Genetics (formerly Invitae), Labcorp); PubMed 35422838 (cited by Labcorp Genetics (formerly Invitae), Labcorp).